The following is an entry in ClinVar:

NM_001371623.1(TCOF1):c.3518-3C>T

Gene: TCOF1 (treacle ribosome biogenesis factor 1; plus strand). Cytogenetic location: 5q32.
Variant type: single nucleotide variant.
Coding change: c.3518-3C>T on transcript NM_001371623.1 (MANE Select); 3 bases into the intron before coding-DNA position 3518, C replaced by T.
Molecular consequence: intron variant.
Genome position (GRCh38, 1-based): chr5:150,392,702, C>T. VCF-style: chr5-150392702-C-T. GRCh37 (hg19) VCF-style: chr5-149772265-C-T.
Other names: c.3404-3C>T (NM_001135244.1, NM_001135244.2); c.3518-6C>T (NM_001135243.2); c.3404-6C>T (NM_001195141.2); c.3287-3C>T (NM_001135245.2); c.3287-6C>T (NM_000356.4).
Identifiers: ClinVar variation 1260557 (VCV001260557.15), dbSNP rs543072968, ClinGen allele CA3511529.

ClinVar aggregate classification (germline): Benign/Likely benign. Review status: criteria provided, multiple submitters, no conflicts (2 of 4 stars). 4 submissions from 4 submitters: Benign (2); Likely benign (1). 1 of the submissions does not count toward it. Last evaluated 2025-06-01.

Conditions:
TCOF1-related disorder. Also called: TCOF1-related condition.
Treacher Collins syndrome 1 (TCS1). Also called: TCOF1-Related Treacher Collins Syndrome. Identifiers: Orphanet 861, MedGen CN315775, MONDO:0007944, OMIM 154500.

Allele frequency attached by ClinVar (database versions not stated): gnomAD 0.00001 and 0.00008; TOPMed 0.00002; gnomAD exomes 0.00013 and 0.00020; ExAC 0.00024; 1000 Genomes Project 30x 0.00078; 1000 Genomes Project 0.00100.
gnomAD v4.1: 195 of 1,613,950 alleles (0.012%); highest among the groups gnomAD compares: South Asian, 0.2%; 1 homozygote.

Submissions (4):

CeGaT Center for Human Genetics Tuebingen
Classification: Likely benign. Last evaluated: 2025-06-01. Review status: criteria provided, single submitter. Criteria: CeGaT Center For Human Genetics Tuebingen Variant Classification Criteria Version 2. Collection method: clinical testing. Allele origin: germline. Affected: yes. Observed: 1 variant allele.
Comment: TCOF1: BP4, BS1

Labcorp Genetics (formerly Invitae), Labcorp
Classification: Benign for Treacher Collins syndrome 1. Last evaluated: 2025-03-27. Review status: criteria provided, single submitter. Criteria: Invitae Variant Classification Sherloc (09022015). Collection method: clinical testing. Allele origin: germline.

GeneDx
Classification: Benign. Last evaluated: 2019-08-02. Review status: criteria provided, single submitter. Criteria: GeneDx Variant Classification Process June 2021. Collection method: clinical testing. Allele origin: germline. Affected: yes.

PreventionGenetics, part of Exact Sciences
Classification: Likely benign for TCOF1-related condition. Last evaluated: 2019-02-22. Review status: no assertion criteria provided. Collection method: clinical testing. Allele origin: germline. Not counted in ClinVar's aggregate classification.
Comment: This variant is classified as likely benign based on ACMG/AMP sequence variant interpretation guidelines (Richards et al. 2015 PMID: 25741868, with internal and published modifications).